The following is an entry in ClinVar:

ClinVar aggregate classification (germline): Uncertain significance (1 of 4 stars; one submission).

Submission:

Labcorp Genetics (formerly Invitae), Labcorp
Classification: Uncertain significance. Last evaluated: 2025-03-18. Review status: criteria provided, single submitter. Criteria: Invitae Variant Classification Sherloc (09022015). Collection method: clinical testing. Allele origin: germline.
Comment: This sequence change replaces glycine, which is neutral and non-polar, with tryptophan, which is neutral and slightly polar, at codon 115 of the COQ9 protein (p.Gly115Trp). This variant is not present in population databases (gnomAD no frequency). This variant has not been reported in the literature in individuals affected with COQ9-related conditions. ClinVar contains an entry for this variant (Variation ID: 1518327). An algorithm developed to predict the effect of missense changes on protein structure and function (PolyPhen-2) suggests that this variant is likely to be disruptive. In summary, the available evidence is currently insufficient to determine the role of this variant in disease. Therefore, it has been classified as a Variant of Uncertain Significance.

NM_020312.4(COQ9):c.343G>T (p.Gly115Trp)

Gene: COQ9 (coenzyme Q9; plus strand). Cytogenetic location: 16q21.
Variant type: single nucleotide variant.
Coding change: c.343G>T on transcript NM_020312.4 (MANE Select); coding-DNA position 343, G replaced by T.
Protein change: p.Gly115Trp; replaces glycine 115 with tryptophan.
Molecular consequence: missense variant.
Genome position (GRCh38, 1-based): chr16:57,452,901, G>T. VCF-style: chr16-57452901-G-T. GRCh37 (hg19) VCF-style: chr16-57486813-G-T.
Other names: short protein forms G115W.
Identifiers: ClinVar variation 1518327 (VCV001518327.6), dbSNP rs772822816, ClinGen allele CA396027273.
Genomic context (GRCh38, chr16:57,452,901, plus strand): 5'-AGTGAGGAGCAGTTGCAGCACCGCATCCTGACGGCAGCCCTTGAGTTTGTGCCCGCCCAC[G>T]GGTGGACAGCAGAGGCGATTGCAGAAGGAGCCCAGGTGTGTATAGGTGAGGGTGGGGCCA-3'
Protein context (NP_064708.1, residues 105-125): TAALEFVPAH[Gly115Trp]WTAEAIAEGA